The following is an entry in ClinVar:

NM_001384140.1(PCDH15):c.5105_5108dup (p.Asp1703_Ser1704insTer)

Gene: PCDH15 (protocadherin related 15; minus strand). Cytogenetic location: 10q21.1.
Variant type: Duplication.
Coding change: c.5105_5108dup on transcript NM_001384140.1 (MANE Select); coding-DNA positions 5105 to 5108, 4 bases duplicated (TTGA; older notation c.5105_5108dupTTGA).
Protein change: p.Asp1703_Ser1704insTer.
Molecular consequence: nonsense, inframe insertion.
Genome position (GRCh38, 1-based): chr10:53,806,694-53,806,697, TCAA duplicated on the plus strand (TTGA on the coding strand, the reverse complement: PCDH15 is on the minus strand); duplicating any 4 consecutive bases within chr10:53,806,694-53,806,700 gives the same sequence; the c. name uses the placement nearest the transcript's 3' end. VCF-style (leftmost placement, unchanged base first): chr10-53806693-G-GTCAA. GRCh37 (hg19) VCF-style: chr10-55566453-G-GTCAA.
Other names: p.Ser1646X; c.4931_4934dup, p.Asp1645_Ser1646insTer (NM_001142771.2); c.4916_4919dup, p.Asp1640_Ser1641insTer (NM_001142772.2); c.4910_4913dup, p.Asp1638_Ser1639insTer (NM_001354420.2); c.5039_5042dup, p.Asp1681_Ser1682insTer (NM_001354429.2); c.5039_5042dupTTGA (NM_001354429.1).
Identifiers: ClinVar variation 229131 (VCV000229131.9), dbSNP rs770322907, ClinGen allele CA5504510.

ClinVar aggregate classification (germline): Uncertain significance. Review status: criteria provided, multiple submitters, no conflicts (2 of 4 stars). 5 submissions from 5 submitters: Uncertain significance (5). Last evaluated 2026-09-01.

Conditions:
PCDH15-related disorder. Also called: PCDH15-related condition; PCDH15-related disorders.
Autosomal recessive nonsyndromic hearing loss 23. Identifiers: Orphanet 90636, MedGen C1836027, MONDO:0012293, OMIM 609533.
Usher syndrome type 1D (USH1D). Also called: USHER SYNDROME, TYPE ID. Identifiers: Orphanet 231169, Orphanet 886, MedGen C1832845, MONDO:0010984, OMIM 601067.
Usher syndrome type 1F (USH1F). Also called: USHER SYNDROME, TYPE IF. Identifiers: Orphanet 231169, Orphanet 886, MedGen C1865885, MONDO:0011186, OMIM 602083.

Submissions (5):

PreventionGenetics, part of Exact Sciences
Classification: Uncertain significance for PCDH15-related condition. Last evaluated: 2026-09-01. Review status: criteria provided, single submitter. Criteria: ACMG Guidelines, 2015. Collection method: clinical testing. Allele origin: germline.
Comment: The PCDH15 c.5039_5042dupTTGA variant is predicted to result in premature protein termination (p.Ser1682*). This variant is located in the terminal exon in transcript NM_001354429:c.5039_5042dupTTGA (p.Ser1682*). This variant can also be denoted as c.*1995_*1998dupTTGA (Post-Coding) in the biologically relevant transcript for hearing loss NM_001142769. To our knowledge, this variant has not been reported in the literature. This variant is reported in 0.050% of alleles in individuals of East Asian descent in gnomAD. At this time, the clinical significance of this variant is uncertain due to the absence of conclusive functional and genetic evidence.

Clinical Genetics Laboratory, Skane University Hospital Lund
Classification: Uncertain significance. Last evaluated: 2024-03-01. Review status: criteria provided, single submitter. Criteria: ACMG Guidelines, 2015. Collection method: clinical testing. Allele origin: germline. Affected: yes.

Blueprint Genetics
Classification: Uncertain significance. Last evaluated: 2023-08-08. Review status: criteria provided, single submitter. Criteria: ACMG Guidelines, 2015. Collection method: clinical testing. Allele origin: germline.

Fulgent Genetics
Classification: Uncertain significance for Usher syndrome type 1D; Usher syndrome type 1F; Autosomal recessive nonsyndromic hearing loss 23. Last evaluated: 2021-10-01. Review status: criteria provided, single submitter. Criteria: ACMG Guidelines, 2015. Collection method: clinical testing. Allele origin: unknown.

Laboratory for Molecular Medicine, Mass General Brigham Personalized Medicine
Classification: Uncertain significance. Last evaluated: 2015-05-07. Review status: criteria provided, single submitter. Criteria: LMM Criteria. Collection method: clinical testing. Allele origin: germline. Observed: 1 variant allele.
Comment: The p.Ser1646X variant in PCDH15 has not been previously reported in individuals with hearing loss, but has been identified in 0.1% (6/8626) of East Asian chrom osomes by the Exome Aggregation Consortium (ExAC ). Although this variant has been seen in the general population, its frequency is not high enough to rule out a pathogenic role. This variant is predicted to c ause a frameshift, which introduces a premature termination codon at position 16 46 of an alternatively spliced PCDH15 transcript (NM_001142771.1). This terminat ion codon occurs within the terminal 50 bases of the last exon and is more likel y to escape nonsense mediated decay (NMD) and result in a slightly truncated pro tein. Furthermore, this variant is expected to fall within the cytoplasmic domai n (CD) of PCDH15. Truncating variants in the CD of a different PCDH15 isoform ar e known to occur at high frequency and are therefore less likely to cause diseas e (Perreault-Micale 2014). In summary, the clinical significance of the p.Ser164 6X variant is uncertain.

Literature cited by the submitters: PubMed 25307757 (cited by Laboratory for Molecular Medicine, Mass General Brigham Personalized Medicine).